The following is an entry in ClinVar:

NM_007294.4(BRCA1):c.81-8C>T

Gene: BRCA1 (BRCA1 DNA repair associated; minus strand). Cytogenetic location: 17q21.31.
Variant type: single nucleotide variant.
Coding change: c.81-8C>T on transcript NM_007294.4 (MANE Select); 8 bases into the intron before coding-DNA position 81, C replaced by T.
Molecular consequence: intron variant.
Genome position (GRCh38, 1-based): chr17:43,115,787, G>A on the plus strand (C>T on the coding strand, the complement: BRCA1 is on the minus strand). VCF-style: chr17-43115787-G-A. GRCh37 (hg19) VCF-style: chr17-41267804-G-A.
Other names: c.81-8C>T (NM_001407682.1, NM_001407676.1, NM_001407863.1 and 191 more transcripts); c.-224-8C>T (NM_001408492.1, NM_001407889.1, NM_001407900.1); c.-177-8C>T (NM_001408468.1, NM_001407842.1, NM_001407749.1 and 13 more transcripts); c.-181-8C>T (NM_001407695.1, NM_001408465.1); c.-61-8C>T (NM_001407846.1, NM_001408503.1, NM_001407943.1 and 47 more transcripts); c.-8+5771C>T (NM_001407726.1, NM_001407751.1); c.-108-8C>T (NM_001408513.1, NM_001407899.1, NM_001408507.1 and 52 more transcripts); c.-219+9484C>T (NM_001407966.1); and 10 more.
Identifiers: ClinVar variation 867772 (VCV000867772.4), dbSNP rs2055266073, ClinGen allele CA916081040.

ClinVar aggregate classification (germline): Likely benign (1 of 4 stars; one submission).

Conditions:
Hereditary breast ovarian cancer syndrome. Also called: Hereditary breast and ovarian cancer; Hereditary breast and ovarian cancer syndrome (HBOC); Breast and ovarian cancer; Hereditary breast and/or ovarian cancer syndrome; BRCA1- and BRCA2-Associated Hereditary Breast and Ovarian Cancer; Hereditary breast and ovarian cancer syndrome. Identifiers: Orphanet 145, MedGen C0677776, MeSH D061325, MONDO:0003582. Disease mechanism: loss of function.

Submissions (2):

Labcorp Genetics (formerly Invitae), Labcorp
Classification: Likely benign for Hereditary breast ovarian cancer syndrome. Last evaluated: 2025-03-19. Review status: criteria provided, single submitter. Criteria: Invitae Variant Classification Sherloc (09022015). Collection method: clinical testing. Allele origin: germline.

Brotman Baty Institute, University of Washington
No classification provided (evidence only). Condition: Breast-ovarian cancer, familial 1. Review status: no classification provided. Collection method: in vitro. Allele origin: not applicable. Functional consequence: functionally_normal. Not counted in ClinVar's aggregate classification.
ClinVar note: "not provided" was previously submitted as the classification for the variant. However, the classification appeared to be based only on an observation of functional data so it was converted to no classification on 2025-07-30.